The following is an entry in ClinVar:

NM_138420.4(AHNAK2):c.5778A>C (p.Thr1926=)

Gene: AHNAK2 (AHNAK nucleoprotein 2; minus strand). Cytogenetic location: 14q32.33.
Variant type: single nucleotide variant.
Coding change: c.5778A>C on transcript NM_138420.4 (MANE Select); coding-DNA position 5778, A replaced by C.
Protein change: p.Thr1926=; no amino-acid change (threonine 1926 retained).
Molecular consequence: synonymous variant.
Genome position (GRCh38, 1-based): chr14:104,949,673, T>G on the plus strand (A>C on the coding strand, the complement: AHNAK2 is on the minus strand). VCF-style: chr14-104949673-T-G. GRCh37 (hg19) VCF-style: chr14-105416010-T-G.
Other names: c.5478A>C, p.Thr1826= (NM_001350929.2).
Identifiers: ClinVar variation 2644777 (VCV002644777.24), dbSNP rs2582511, ClinGen allele CA488726340.

ClinVar aggregate classification (germline): Likely benign (1 of 4 stars; one submission).

Submission:

CeGaT Center for Human Genetics Tuebingen
Classification: Likely benign. Last evaluated: 2023-02-01. Review status: criteria provided, single submitter. Criteria: CeGaT Center For Human Genetics Tuebingen Variant Classification Criteria Version 2. Collection method: clinical testing. Allele origin: germline. Affected: yes. Observed: 1 variant allele.
Comment: AHNAK2: PM2:Supporting, BP4, BP7